The following is an entry in ClinVar:

ClinVar aggregate classification (germline): Likely benign (1 of 4 stars; one submission).

gnomAD v4.1: 6 of 1,613,902 alleles (0.00037%); highest among the groups gnomAD compares: African/African-American, 0.0013%; no homozygotes.

Submission:

CeGaT Center for Human Genetics Tuebingen
Classification: Likely benign. Last evaluated: 2026-01-01. Review status: criteria provided, single submitter. Criteria: CeGaT Center For Human Genetics Tuebingen Variant Classification Criteria Version 2. Collection method: clinical testing. Allele origin: germline. Affected: yes. Observed: 2 variant alleles.
Comment: ARID1B: BP4

NM_001374828.1(ARID1B):c.4730C>T (p.Ser1577Leu)

Gene: ARID1B (AT-rich interaction domain 1B; plus strand). Cytogenetic location: 6q25.3.
Variant type: single nucleotide variant.
Coding change: c.4730C>T on transcript NM_001374828.1 (MANE Select); coding-DNA position 4730, C replaced by T.
Protein change: p.Ser1577Leu; replaces serine 1577 with leucine.
Molecular consequence: missense variant.
Genome position (GRCh38, 1-based): chr6:157,200,955, C>T. VCF-style: chr6-157200955-C-T. GRCh37 (hg19) VCF-style: chr6-157522089-C-T.
Other names: c.2231C>T, p.Ser744Leu (NM_001363725.2); c.4610C>T, p.Ser1537Leu (NM_001371656.1, NM_001374820.1); c.4859C>T, p.Ser1620Leu (NM_001438482.1); c.4772C>T, p.Ser1591Leu (NM_001438483.1); c.4640C>T, p.Ser1547Leu (NM_001438485.1); c.4613C>T, p.Ser1538Leu (NM_001438486.1); c.4550C>T, p.Ser1517Leu (NM_001438487.1); c.2072C>T, p.Ser691Leu (NM_001438488.1); and 1 more; short protein forms S1517L, S1524L, S1537L, S1538L, S1547L, S1577L, S1591L, S1620L.
Identifiers: ClinVar variation 4281054 (VCV004281054.7).
Genomic context (GRCh38, chr6:157,200,955, plus strand): 5'-GCCCGGGGCAGATCCAGACACACGGAATCCCGCCTCAGATGATGGGCGGCCCGCTGCAGT[C>T]GTCCTCCAGTGAGGGGCCTCAGCAGAATATGTGGGCAGCACGCAATGATATGCCTTATCC-3'
Protein context (NP_001361757.1, residues 1567-1587): PPQMMGGPLQ[Ser1577Leu]SSSEGPQQNM